The following is an entry in ClinVar:

NM_000255.4(MMUT):c.893T>C (p.Ile298Thr)

Gene: MMUT (methylmalonyl-CoA mutase; minus strand). Cytogenetic location: 6p12.3.
Variant type: single nucleotide variant.
Coding change: c.893T>C on transcript NM_000255.4 (MANE Select); coding-DNA position 893, T replaced by C.
Protein change: p.Ile298Thr; replaces isoleucine 298 with threonine.
Molecular consequence: missense variant.
Genome position (GRCh38, 1-based): chr6:49,456,098, A>G on the plus strand (T>C on the coding strand, the complement: MMUT is on the minus strand). VCF-style: chr6-49456098-A-G. GRCh37 (hg19) VCF-style: chr6-49423811-A-G.
Other names: short protein forms I298T.
Identifiers: ClinVar variation 2791499 (VCV002791499.3), dbSNP rs1767678885, ClinGen allele CA364401890.
Genomic context (GRCh38, chr6:49,456,098, plus strand): 5'-ATTTCTTAATGTTGAAACAATATCTAGGTTTAATTTACTCACCTTGGTGCAAATTCATCA[A>G]TTGTCAGGCCAGCCTGGAGTCCAGTTCTAGAGTACTCCAATCCATCTGCTAAAGTATAGG-3'
Protein context (NP_000246.2, residues 288-308): SRTGLQAGLT[Ile298Thr]DEFAPRLSFF

ClinVar aggregate classification (germline): Pathogenic (1 of 4 stars; one submission).

Submission:

Labcorp Genetics (formerly Invitae), Labcorp
Classification: Pathogenic. Last evaluated: 2023-01-25. Review status: criteria provided, single submitter. Criteria: Invitae Variant Classification Sherloc (09022015). Collection method: clinical testing. Allele origin: germline.
Comment: Advanced modeling of protein sequence and biophysical properties (such as structural, functional, and spatial information, amino acid conservation, physicochemical variation, residue mobility, and thermodynamic stability) performed at Invitae indicates that this missense variant is expected to disrupt MUT protein function. For these reasons, this variant has been classified as Pathogenic. This variant is not present in population databases (gnomAD no frequency). This missense change has been observed in individual(s) with methylmalonic acidemia (PMID: 34389282). In at least one individual the data is consistent with being in trans (on the opposite chromosome) from a pathogenic variant. This sequence change replaces isoleucine, which is neutral and non-polar, with threonine, which is neutral and polar, at codon 298 of the MUT protein (p.Ile298Thr).

Literature cited by the submitters: PubMed 34389282.